The following is an entry in ClinVar:

NM_000256.3(MYBPC3):c.2312T>C (p.Val771Ala)

Gene: MYBPC3 (myosin binding protein C3; minus strand). Cytogenetic location: 11p11.2.
Variant type: single nucleotide variant.
Coding change: c.2312T>C on transcript NM_000256.3 (MANE Select); coding-DNA position 2312, T replaced by C.
Protein change: p.Val771Ala; replaces valine 771 with alanine.
Molecular consequence: missense variant.
Genome position (GRCh38, 1-based): chr11:47,337,791, A>G on the plus strand (T>C on the coding strand, the complement: MYBPC3 is on the minus strand). VCF-style: chr11-47337791-A-G. GRCh37 (hg19) VCF-style: chr11-47359342-A-G.
Other names: short protein forms V771A.
Identifiers: ClinVar variation 42616 (VCV000042616.4), dbSNP rs397515961, ClinGen allele CA012096.

ClinVar aggregate classification (germline): Uncertain significance (1 of 4 stars; one submission).

Submission:

Laboratory for Molecular Medicine, Mass General Brigham Personalized Medicine
Classification: Uncertain significance. Last evaluated: 2015-06-16. Review status: criteria provided, single submitter. Criteria: LMM Criteria. Collection method: clinical testing. Allele origin: germline. Observed: 9 variant alleles.
Comment: proposed classification - variant undergoing re-assessment, contact laboratory

Literature cited by the submitters: PubMed 16004897; PubMed 18533079; PubMed 21302287; PubMed 23549607; PubMed 23233322.